The following is an entry in ClinVar:

ClinVar aggregate classification (germline): Uncertain significance (1 of 4 stars; one submission).

Allele frequency attached by ClinVar (database versions not stated): TOPMed 0.00002.

Submission:

Labcorp Genetics (formerly Invitae), Labcorp
Classification: Uncertain significance. Last evaluated: 2022-08-06. Review status: criteria provided, single submitter. Criteria: Invitae Variant Classification Sherloc (09022015). Collection method: clinical testing. Allele origin: germline.
Comment: In summary, the available evidence is currently insufficient to determine the role of this variant in disease. Therefore, it has been classified as a Variant of Uncertain Significance. Algorithms developed to predict the effect of missense changes on protein structure and function are either unavailable or do not agree on the potential impact of this missense change (SIFT: "Tolerated"; PolyPhen-2: "Not Available"; Align-GVGD: "Class C0"). This variant has not been reported in the literature in individuals affected with INPPL1-related conditions. This variant is not present in population databases (gnomAD no frequency). This sequence change replaces serine, which is neutral and polar, with asparagine, which is neutral and polar, at codon 16 of the INPPL1 protein (p.Ser16Asn).

NM_001567.4(INPPL1):c.47G>A (p.Ser16Asn)

Genes: INPPL1 (inositol polyphosphate phosphatase like 1; plus strand), LOC130006327 (ATAC-STARR-seq lymphoblastoid silent region 3716; plus strand). Cytogenetic location: 11q13.4.
Variant type: single nucleotide variant.
Coding change: c.47G>A on transcript NM_001567.4 (MANE Select); coding-DNA position 47, G replaced by A.
Protein change: p.Ser16Asn; replaces serine 16 with asparagine.
Molecular consequence: missense variant.
Genome position (GRCh38, 1-based): chr11:72,225,031, G>A. VCF-style: chr11-72225031-G-A. GRCh37 (hg19) VCF-style: chr11-71936075-G-A.
Other names: short protein forms S16N.
Identifiers: ClinVar variation 1974276 (VCV001974276.5), dbSNP rs905561373, ClinGen allele CA224429121.
Genomic context (GRCh38, chr11:72,225,031, plus strand): 5'-GCCCTGCGCGGGCCATGGCCTCGGCCTGCGGGGCGCCGGGCCCGGGGGGCGCCCTGGGCA[G>A]CCAGGCCCCCTCCTGGTACCACCGCGACCTGAGCCGGGCGGCCGCGGAGGAGCTGCTGGC-3'
Protein context (NP_001558.3, residues 6-26): GAPGPGGALG[Ser16Asn]QAPSWYHRDL